The following is an entry in ClinVar:

NM_007294.4(BRCA1):c.223G>C (p.Glu75Gln)

Gene: BRCA1 (BRCA1 DNA repair associated; minus strand). Cytogenetic location: 17q21.31.
Variant type: single nucleotide variant.
Coding change: c.223G>C on transcript NM_007294.4 (MANE Select); coding-DNA position 223, G replaced by C.
Protein change: p.Glu75Gln; replaces glutamic acid 75 with glutamine.
Molecular consequence: missense variant. On other transcripts: non-coding transcript variant (1).
Genome position (GRCh38, 1-based): chr17:43,104,946, C>G on the plus strand (G>C on the coding strand, the complement: BRCA1 is on the minus strand). VCF-style: chr17-43104946-C-G. GRCh37 (hg19) VCF-style: chr17-41256963-C-G.
Other names: c.13G>C, p.Glu5Gln (NM_001407571.1, NM_001407853.1, NM_001407879.1 and 58 more transcripts); c.223G>C, p.Glu75Gln (NM_001407581.1, NM_001407582.1, NM_001407583.1 and 168 more transcripts); c.145G>C, p.Glu49Gln (NM_001407653.1, NM_001407654.1, NM_001407655.1 and 21 more transcripts); c.82G>C, p.Glu28Gln (NM_001407692.1, NM_001407694.1, NM_001407695.1 and 99 more transcripts); c.-159G>C (NM_001407959.1, NM_001407960.1, NM_001407962.1 and 4 more transcripts); c.91G>C, p.Glu31Gln (NM_001408451.1); short protein forms E28Q, E75Q, E49Q, E5Q, E31Q.
Identifiers: ClinVar variation 867357 (VCV000867357.5), dbSNP rs1567811244, ClinGen allele CA10601717.

ClinVar aggregate classification (germline): Uncertain significance (1 of 4 stars; one submission).

Conditions:
Hereditary breast ovarian cancer syndrome. Also called: Hereditary breast and/or ovarian cancer syndrome; BRCA1- and BRCA2-Associated Hereditary Breast and Ovarian Cancer; Hereditary breast and ovarian cancer syndrome; Hereditary breast and ovarian cancer; Hereditary breast and ovarian cancer syndrome (HBOC); Breast and ovarian cancer. Identifiers: Orphanet 145, MedGen C0677776, MeSH D061325, MONDO:0003582. Disease mechanism: loss of function.

Submissions (2):

Breast Center, Key Laboratory of Carcinogenesis and Translational Research
Classification: Uncertain significance for Hereditary breast and ovarian cancer syndrome. Last evaluated: 2020-05-01. Review status: criteria provided, single submitter. Criteria: ACMG Guidelines, 2015. Collection method: clinical testing. Allele origin: germline. Observed: 1 variant allele.

Brotman Baty Institute, University of Washington
No classification provided (evidence only). Condition: Breast-ovarian cancer, familial 1. Review status: no classification provided. Collection method: in vitro. Allele origin: not applicable. Functional consequence: function_uncertain_variant. Not counted in ClinVar's aggregate classification.
ClinVar note: "not provided" was previously submitted as the classification for the variant. However, the classification appeared to be based only on an observation of functional data so it was converted to no classification on 2025-07-30.

Literature cited by the submitters: PubMed 30209399 (cited by Breast Center, Key Laboratory of Carcinogenesis and Translational Research).